The following is an entry in ClinVar:

NM_003265.3(TLR3):c.2405C>A (p.Ala802Glu)

Gene: TLR3 (toll like receptor 3; plus strand). Cytogenetic location: 4q35.1.
Variant type: single nucleotide variant.
Coding change: c.2405C>A on transcript NM_003265.3 (MANE Select); coding-DNA position 2405, C replaced by A.
Protein change: p.Ala802Glu; replaces alanine 802 with glutamic acid.
Molecular consequence: missense variant.
Genome position (GRCh38, 1-based): chr4:186,084,091, C>A. VCF-style: chr4-186084091-C-A. GRCh37 (hg19) VCF-style: chr4-187005245-C-A.
Other names: short protein forms A802E.
Identifiers: ClinVar variation 844956 (VCV000844956.10), dbSNP rs748141748, ClinGen allele CA3161565.

ClinVar aggregate classification (germline): Uncertain significance (1 of 4 stars; one submission).

Conditions:
Encephalopathy, acute, infection-induced (herpes-specific), susceptibility to, 1. Also called: Herpes simplex encephalitis, susceptibility to, 1. Identifiers: Orphanet 1930, MedGen C2750180, MONDO:0024563, OMIM 610551.

Allele frequency attached by ClinVar (database versions not stated): TOPMed below 0.00001; gnomAD exomes 0.00006 and 0.00011; ExAC 0.00009; gnomAD 0.00003.
gnomAD v4.1: 163 of 1,613,952 alleles (0.01%); highest among the groups gnomAD compares: Non-Finnish European, 0.013%; no homozygotes.

Submission:

Labcorp Genetics (formerly Invitae), Labcorp
Classification: Uncertain significance for Encephalopathy, acute, infection-induced (herpes-specific), susceptibility to, 1. Last evaluated: 2025-06-22. Review status: criteria provided, single submitter. Criteria: Invitae Variant Classification Sherloc (09022015). Collection method: clinical testing. Allele origin: germline.
Comment: This sequence change replaces alanine, which is neutral and non-polar, with glutamic acid, which is acidic and polar, at codon 802 of the TLR3 protein (p.Ala802Glu). This variant is present in population databases (rs748141748, gnomAD 0.01%). This variant has not been reported in the literature in individuals affected with TLR3-related conditions. ClinVar contains an entry for this variant (Variation ID: 844956). An algorithm developed to predict the effect of missense changes on protein structure and function (PolyPhen-2) suggests that this variant is likely to be disruptive. In summary, the available evidence is currently insufficient to determine the role of this variant in disease. Therefore, it has been classified as a Variant of Uncertain Significance.